The following is an entry in ClinVar:

ClinVar aggregate classification (germline): Uncertain significance (1 of 4 stars; one submission).

Submission:

Labcorp Genetics (formerly Invitae), Labcorp
Classification: Uncertain significance. Last evaluated: 2021-07-27. Review status: criteria provided, single submitter. Criteria: Invitae Variant Classification Sherloc (09022015). Collection method: clinical testing. Allele origin: germline.
Comment: In summary, the available evidence is currently insufficient to determine the role of this variant in disease. Therefore, it has been classified as a Variant of Uncertain Significance. Nucleotide substitutions within the consensus splice site are a relatively common cause of aberrant splicing (PMID: 17576681, 9536098). Algorithms developed to predict the effect of sequence changes on RNA splicing suggest that this variant may disrupt the consensus splice site, but this prediction has not been confirmed by published transcriptional studies. This variant has not been reported in the literature in individuals with ATP2B2-related conditions. This variant is not present in population databases (ExAC no frequency). This sequence change falls in intron 16 of the ATP2B2 gene. It does not directly change the encoded amino acid sequence of the ATP2B2 protein. It affects a nucleotide within the consensus splice site of the intron.

Literature cited by the submitters: PubMed 17576681; PubMed 9536098.

NM_001001331.4(ATP2B2):c.2917+3G>C

Gene: ATP2B2 (ATPase plasma membrane Ca2+ transporting 2; minus strand). Cytogenetic location: 3p25.3.
Variant type: single nucleotide variant.
Coding change: c.2917+3G>C on transcript NM_001001331.4 (MANE Select); 3 bases into the intron after coding-DNA position 2917, G replaced by C.
Molecular consequence: intron variant.
Genome position (GRCh38, 1-based): chr3:10,342,749, C>G on the plus strand (G>C on the coding strand, the complement: ATP2B2 is on the minus strand). VCF-style: chr3-10342749-C-G. GRCh37 (hg19) VCF-style: chr3-10384433-C-G.
Other names: c.2782+3G>C (NM_001353564.1, NM_001683.5, NM_001330611.3 and 1 more transcripts).
Identifiers: ClinVar variation 1442797 (VCV001442797.6), dbSNP rs2125379156, ClinGen allele CA2573136158.